The following is an entry in ClinVar:

NM_020338.4(ZMIZ1):c.1885C>A (p.Gln629Lys)

Gene: ZMIZ1 (zinc finger MIZ-type containing 1; plus strand). Cytogenetic location: 10q22.3.
Variant type: single nucleotide variant.
Coding change: c.1885C>A on transcript NM_020338.4 (MANE Select); coding-DNA position 1885, C replaced by A.
Protein change: p.Gln629Lys; replaces glutamine 629 with lysine.
Molecular consequence: missense variant.
Genome position (GRCh38, 1-based): chr10:79,300,808, C>A. VCF-style: chr10-79300808-C-A. GRCh37 (hg19) VCF-style: chr10-81060565-C-A.
Other names: short protein forms Q629K.
Identifiers: ClinVar variation 4846966 (VCV004846966.1).
Genomic context (GRCh38, chr10:79,300,808, plus strand): 5'-CAGTTCAAGTGCTACCACCACGAGGACCGGCAGATGAACACCAACTGGCCCGCCTCGGTG[C>A]AGGTCAGCGTGAACGCCACGCCCCTCACCATTGAGCGCGGCGACAACAAGACCTCCCACA-3'
Protein context (NP_065071.1, residues 619-639): QMNTNWPASV[Gln629Lys]VSVNATPLTI

ClinVar aggregate classification (germline): Uncertain significance (1 of 4 stars; one submission).

Conditions:
Neurodevelopmental disorder with dysmorphic facies and distal skeletal anomalies. Identifiers: MedGen C5231448, MONDO:0032855, OMIM 618659.

Submission:

Laboratorio de Genetica e Diagnostico Molecular, Hospital Israelita Albert Einstein
Classification: Uncertain significance for Neurodevelopmental disorder with dysmorphic facies and distal skeletal anomalies. Last evaluated: 2025-07-03. Review status: criteria provided, single submitter. Criteria: ACMG Guidelines, 2015. Collection method: clinical testing. Allele origin: germline. Affected: yes.
Comment: ACMG classification criteria: PM2 supporting, PP2 supporting, BP4 supporting